The following is an entry in ClinVar:

NM_000256.3(MYBPC3):c.999C>A (p.Tyr333Ter)

Gene: MYBPC3 (myosin binding protein C3; minus strand). Cytogenetic location: 11p11.2.
Variant type: single nucleotide variant.
Coding change: c.999C>A on transcript NM_000256.3 (MANE Select); coding-DNA position 999, C replaced by A.
Protein change: p.Tyr333Ter; replaces tyrosine 333 with a stop codon.
Molecular consequence: nonsense.
Genome position (GRCh38, 1-based): chr11:47,346,298, G>T on the plus strand (C>A on the coding strand, the complement: MYBPC3 is on the minus strand). VCF-style: chr11-47346298-G-T. GRCh37 (hg19) VCF-style: chr11-47367849-G-T.
Other names: short protein forms Y333*.
Identifiers: ClinVar variation 960010 (VCV000960010.16), dbSNP rs367947846, ClinGen allele CA380331492.
Genomic context (GRCh38, chr11:47,346,298, plus strand): 5'-CTTGAGCCTCTTTAGCATGCCGCGCAGGTCAGTGACGCCGTACTGGAAGGCGATGCGCTC[G>T]TACTCAGATGGGGGTGCCTGCCGTAGGATCTCCCACACGTCCTCCTCTGCTGGTGCCTCC-3'

ClinVar aggregate classification (germline): Pathogenic. Review status: criteria provided, multiple submitters, no conflicts (2 of 4 stars). 5 submissions from 5 submitters: Pathogenic (5). Last evaluated 2023-10-04.

Conditions:
MYBPC3-related disorder. Also called: MYBPC3-related disorders; MYBPC3-related condition; MYBPC3-related disease.
Left ventricular noncompaction 10 (LVNC10). Identifiers: Orphanet 154, Orphanet 54260, MedGen C3715165, MONDO:0014163, OMIM 615396.
Hypertrophic cardiomyopathy. Also called: HYPERTROPHIC MYOCARDIOPATHY. Identifiers: Orphanet 217569, MedGen C0007194, MeSH D002312, MONDO:0005045, HP:0001639.

Submissions (5):

Labcorp Genetics (formerly Invitae), Labcorp
Classification: Pathogenic for Hypertrophic cardiomyopathy. Last evaluated: 2023-10-04. Review status: criteria provided, single submitter. Criteria: Invitae Variant Classification Sherloc (09022015). Collection method: clinical testing. Allele origin: germline.
Comment: This sequence change creates a premature translational stop signal (p.Tyr333*) in the MYBPC3 gene. It is expected to result in an absent or disrupted protein product. Loss-of-function variants in MYBPC3 are known to be pathogenic (PMID: 19574547). This variant is not present in population databases (gnomAD no frequency). This premature translational stop signal has been observed in individual(s) with hypertrophic cardiomyopathy (PMID: 23233322). ClinVar contains an entry for this variant (Variation ID: 960010). For these reasons, this variant has been classified as Pathogenic.

Clinical Genetics Laboratory, Skane University Hospital Lund
Classification: Pathogenic. Last evaluated: 2022-07-13. Review status: criteria provided, single submitter. Criteria: ACMG Guidelines, 2015. Collection method: clinical testing. Allele origin: germline. Affected: yes.

Mayo Clinic Laboratories, Mayo Clinic
Classification: Pathogenic. Last evaluated: 2019-06-17. Review status: criteria provided, single submitter. Criteria: ACMG Guidelines, 2015. Collection method: clinical testing. Allele origin: germline. Observed: 1 variant allele.
Comment: PVS1, PM2

Institute of Human Genetics, University of Leipzig Medical Center
Classification: Pathogenic for Left ventricular noncompaction 10. Last evaluated: 2019-01-01. Review status: criteria provided, single submitter. Criteria: ACMG Guidelines, 2015. Collection method: clinical testing. Allele origin: unknown. Affected: no.

Blueprint Genetics
Classification: Pathogenic for MYBPC3-related disorders. Last evaluated: 2018-02-23. Review status: criteria provided, single submitter. Criteria: ACMG Guidelines, 2015. Collection method: clinical testing. Allele origin: germline. Affected: yes. Observed: 1 variant allele.

Literature cited by the submitters: PubMed 19574547 (cited by Labcorp Genetics (formerly Invitae), Labcorp); PubMed 23233322 (cited by Labcorp Genetics (formerly Invitae), Labcorp and Mayo Clinic Laboratories, Mayo Clinic).